The following is an entry in ClinVar:

NM_018249.6(CDK5RAP2):c.4415-264G>C

Gene: CDK5RAP2 (CDK5 regulatory subunit associated protein 2; minus strand). Cytogenetic location: 9q33.2.
Variant type: single nucleotide variant.
Coding change: c.4415-264G>C on transcript NM_018249.6 (MANE Select); 264 bases into the intron before coding-DNA position 4415, G replaced by C.
Molecular consequence: intron variant.
Genome position (GRCh38, 1-based): chr9:120,409,580, C>G on the plus strand (G>C on the coding strand, the complement: CDK5RAP2 is on the minus strand). VCF-style: chr9-120409580-C-G. GRCh37 (hg19) VCF-style: chr9-123171858-C-G.
Other names: c.3725-264G>C (NM_001272039.2); c.4415-264G>C (NM_001011649.3).
Identifiers: ClinVar variation 673567 (VCV000673567.1), dbSNP rs192388355, ClinGen allele CA199298013.

ClinVar aggregate classification (germline): Likely benign (1 of 4 stars; one submission).

Allele frequency attached by ClinVar (database versions not stated): 1000 Genomes Project 30x 0.00625; TOPMed 0.00711; gnomAD 0.00713 and 0.00749.
gnomAD v4.1: 1,134 of 152,344 alleles (0.74%); highest among the groups gnomAD compares: Middle Eastern, 1.7%; 7 homozygotes.

Submission:

GeneDx
Classification: Likely benign. Last evaluated: 2018-06-16. Review status: criteria provided, single submitter. Criteria: GeneDx Variant Classification (06012015). Collection method: clinical testing. Allele origin: germline. Affected: yes.
Comment: This variant is considered likely benign or benign based on one or more of the following criteria: it is a conservative change, it occurs at a poorly conserved position in the protein, it is predicted to be benign by multiple in silico algorithms, and/or has population frequency not consistent with disease.